The following is an entry in ClinVar:

ClinVar aggregate classification (germline): Benign. Review status: criteria provided, multiple submitters, no conflicts (2 of 4 stars). 3 submissions from 3 submitters: Benign (3). Last evaluated 2026-09-01.

Allele frequency attached by ClinVar (database versions not stated): 1000 Genomes Project 30x 0.00500; 1000 Genomes Project 0.00519; ExAC 0.00815; gnomAD exomes 0.00825 and 0.01217; TOPMed 0.00878; gnomAD 0.00908 and 0.00924; ESP Exome Variant Server 0.00978.
gnomAD v4.1: 19,004 of 1,612,666 alleles (1.2%); highest among the groups gnomAD compares: Non-Finnish European, 1.4%; 147 homozygotes.

Submissions (3):

CeGaT Center for Human Genetics Tuebingen
Classification: Benign. Last evaluated: 2026-09-01. Review status: criteria provided, single submitter. Criteria: CeGaT Center For Human Genetics Tuebingen Variant Classification Criteria Version 2. Collection method: clinical testing. Allele origin: germline. Affected: yes. Observed: 1 variant allele.
Comment: NAV3: BP4, BP7, BS1, BS2

Labcorp Genetics (formerly Invitae), Labcorp
Classification: Benign. Last evaluated: 2018-06-08. Review status: criteria provided, single submitter. Criteria: Invitae Variant Classification Sherloc (09022015). Collection method: clinical testing. Allele origin: germline.

Breakthrough Genomics
Classification: Benign. Review status: criteria provided, single submitter. Criteria: ACMG Guidelines, 2015. Collection method: not provided. Allele origin: germline. Inheritance: Unknown mechanism. Affected: yes.

NM_001024383.2(NAV3):c.4476C>T (p.Pro1492=)

Gene: NAV3 (neuron navigator 3; plus strand). Cytogenetic location: 12q21.2.
Variant type: single nucleotide variant.
Coding change: c.4476C>T on transcript NM_001024383.2 (MANE Select); coding-DNA position 4476, C replaced by T.
Protein change: p.Pro1492=; no amino-acid change (proline 1492 retained).
Molecular consequence: synonymous variant.
Genome position (GRCh38, 1-based): chr12:78,137,211, C>T. VCF-style: chr12-78137211-C-T. GRCh37 (hg19) VCF-style: chr12-78530991-C-T.
Other names: c.4476C>T, p.Pro1492= (NM_014903.6).
Identifiers: ClinVar variation 774485 (VCV000774485.5), dbSNP rs61754236, ClinGen allele CA6697836.